The following is an entry in ClinVar:

ClinVar aggregate classification (germline): Benign/Likely benign. Review status: criteria provided, multiple submitters, no conflicts (2 of 4 stars). 3 submissions from 3 submitters: Benign (1); Likely benign (2). Last evaluated 2026-06-01.

Allele frequency attached by ClinVar (database versions not stated): 1000 Genomes Project 0.00359; 1000 Genomes Project 30x 0.00375; ExAC 0.00629; gnomAD exomes 0.00694 and 0.00970; gnomAD 0.00720 and 0.00761; ESP Exome Variant Server 0.00823; TOPMed 0.00839.

Submissions (3):

CeGaT Center for Human Genetics Tuebingen
Classification: Benign. Last evaluated: 2026-06-01. Review status: criteria provided, single submitter. Criteria: CeGaT Center For Human Genetics Tuebingen Variant Classification Criteria Version 2. Collection method: clinical testing. Allele origin: germline. Affected: yes. Observed: 6 variant alleles.
Comment: NCAPH: BP4, BS1, BS2

Labcorp Genetics (formerly Invitae), Labcorp
Classification: Likely benign. Last evaluated: 2018-04-10. Review status: criteria provided, single submitter. Criteria: Invitae Variant Classification Sherloc (09022015). Collection method: clinical testing. Allele origin: germline.

Breakthrough Genomics
Classification: Likely benign. Review status: criteria provided, single submitter. Criteria: ACMG Guidelines, 2015. Collection method: not provided. Allele origin: germline. Inheritance: Autosomal recessive inheritance. Affected: yes.

NM_015341.5(NCAPH):c.1150G>A (p.Val384Ile)

Gene: NCAPH (non-SMC condensin I complex subunit H; plus strand). Cytogenetic location: 2q11.2.
Variant type: single nucleotide variant.
Coding change: c.1150G>A on transcript NM_015341.5 (MANE Select); coding-DNA position 1150, G replaced by A.
Protein change: p.Val384Ile; replaces valine 384 with isoleucine.
Molecular consequence: missense variant.
Genome position (GRCh38, 1-based): chr2:96,354,330, G>A. VCF-style: chr2-96354330-G-A. GRCh37 (hg19) VCF-style: chr2-97020068-G-A.
Other names: c.1117G>A, p.Val373Ile (NM_001281710.2); c.1078G>A, p.Val360Ile (NM_001281711.2); c.742G>A, p.Val248Ile (NM_001281712.2); short protein forms V248I, V384I, V360I, V373I.
Identifiers: ClinVar variation 773426 (VCV000773426.28), dbSNP rs61754144, ClinGen allele CA1780037.